The following is an entry in ClinVar:

ClinVar aggregate classification (germline): Conflicting classifications of pathogenicity. Review status: criteria provided, conflicting classifications (1 of 4 stars). 4 submissions from 4 submitters: Likely pathogenic (3); Uncertain significance (1). Last evaluated 2026-01-14.

Conditions:
Atrial septal defect 5 (ASD5). Identifiers: Orphanet 1478, MedGen C2748552, MONDO:0013011, OMIM 612794.
Dilated cardiomyopathy 1R (CMD1R). Identifiers: Orphanet 154, Orphanet 54260, MedGen C3150681, MONDO:0013261, OMIM 613424.
Hypertrophic cardiomyopathy 11. Also called: ACTC1-Related Familial Hypertrophic Cardiomyopathy. Identifiers: MedGen C2677506, MONDO:0012799, OMIM 612098.

gnomAD v4.1: 1 of 1,613,962 alleles (0.000062%); highest among the groups gnomAD compares: Non-Finnish European, 0.000085%; no homozygotes.

Submissions (4):

Victorian Clinical Genetics Services, Murdoch Childrens Research Institute
Classification: Likely pathogenic for Dilated cardiomyopathy 1R. Last evaluated: 2026-01-14. Review status: criteria provided, single submitter. Criteria: ACMG Guidelines, 2015. Collection method: clinical testing. Allele origin: germline. Affected: yes.
Comment: This variant is classified as Likely pathogenic. Evidence in support of pathogenic classification: Variant is present in gnomAD <0.001 for a dominant condition (v4: 1 heterozygote(s), 0 homozygote(s)); This variant has limited previous evidence of pathogenicity in unrelated individual(s). This variant has been classified as likely pathogenic and as a VUS by clinical laboratories in ClinVar. It has also been reported in the literature in an individual from a large cohort of inherited cardiac disease patients, and in family with DCM, however the proband also had a variant in RBM20 (PMIDs: 30871348, 39481677); Other missense variant(s) comparable to the one identified in this case have moderate previous evidence for pathogenicity. p.(Ala333Pro) and p.(Ala333Ser) have been classified as likely pathogenic and as a VUS, respectively, by clinical laboratories in ClinVar. In addition, p.(Ala333Pro) has been reported in the literature as de novo in an individual with HCM (PMID: 10966831); Missense variant in a region that is highly intolerant to missense variation (high constraint region in DECIPHER); Missense variant predicted to be damaging by in silico tool(s) or highly conserved with a major amino acid change. Additional information: Variant is predicted to result in a missense amino acid change from Ala to Val; This variant is heterozygous; This gene is associated with autosomal dominant disease; Alternative amino acid change(s) at the same position are present in gnomAD (highest allele count: v4: 2 heterozygote(s), 0 homozygote(s)); No published functional evidence has been identified for this variant; The mechanism of disease for this gene is not clearly established. Missense variants have been described with both loss and gain of function properties (PMID: 29719515), however, the exact mechanism remains unclear.

Lildballe Lab, Aarhus University Hospital
Classification: Likely pathogenic for Dilated cardiomyopathy 1R. Last evaluated: 2024-03-01. Review status: criteria provided, single submitter. Criteria: ACMG Guidelines, 2015. Collection method: research. Allele origin: germline.
Comment: PM2(sup) PM5(m), PP3(sup),

Labcorp Genetics (formerly Invitae), Labcorp
Classification: Uncertain significance for Dilated cardiomyopathy 1R; Hypertrophic cardiomyopathy 11; Atrial septal defect 5. Last evaluated: 2023-08-04. Review status: criteria provided, single submitter. Criteria: Invitae Variant Classification Sherloc (09022015). Collection method: clinical testing. Allele origin: germline.
Comment: In summary, the available evidence is currently insufficient to determine the role of this variant in disease. Therefore, it has been classified as a Variant of Uncertain Significance. This variant disrupts the p.Ala333 amino acid residue in ACTC1. Other variant(s) that disrupt this residue have been determined to be pathogenic (PMID: 10966831, 24736382, 24793351). This suggests that this residue is clinically significant, and that variants that disrupt this residue are likely to be disease-causing. Advanced modeling of protein sequence and biophysical properties (such as structural, functional, and spatial information, amino acid conservation, physicochemical variation, residue mobility, and thermodynamic stability) performed at Invitae indicates that this missense variant is not expected to disrupt ACTC1 protein function. ClinVar contains an entry for this variant (Variation ID: 180773). This missense change has been observed in individuals with clinical features of dilated cardiomyopathy (PMID: 33019804; Invitae). This variant is not present in population databases (gnomAD no frequency). This sequence change replaces alanine, which is neutral and non-polar, with valine, which is neutral and non-polar, at codon 333 of the ACTC1 protein (p.Ala333Val).

GeneDx
Classification: Likely pathogenic. Last evaluated: 2012-09-04. Review status: criteria provided, single submitter. Criteria: GeneDx Variant Classification (06012015). Collection method: clinical testing. Allele origin: germline. Affected: yes.
Comment: p.Ala333Val (GCT>GTT): c.998 C>T in exon 7 of the ACTC1 gene (NM_005159.4). The Ala333Val variant in the ACTC1 gene has not been reported as a disease-causing mutation or as a benign polymorphism to our knowledge. Although Ala333Val results in a conservative amino acid substitution of one non-polar amino acid with another, the Ala333 position is highly conserved across species. In silico analysis predicts Ala333Val is possibly damaging to the protein structure/function. Mutations in this codon (Ala333Pro) and in nearby codons (Ala323Val, Glu363Gly) have been reported in association with cardiomyopathy further supporting the functional importance of this codon and this region of the protein. Furthermore, the NHLBI ESP Exome Variant Server reports Ala333Val was not observed in approximately 6,000 samples from individuals of European and African American backgrounds, indicating it is not a common benign variant in these populations.In summary, while Ala333Val is a good candidate for a disease-causing mutation, with the clinical and molecular information available at this time we cannot unequivocally determine the clinical significance of this variant. The variant is found in DCM panel(s).

Literature cited by the submitters: PubMed 29719515 (cited by Victorian Clinical Genetics Services, Murdoch Childrens Research Institute); PubMed 39481677 (cited by Victorian Clinical Genetics Services, Murdoch Childrens Research Institute and Lildballe Lab, Aarhus University Hospital); PubMed 30871348 (cited by Victorian Clinical Genetics Services, Murdoch Childrens Research Institute); PubMed 10966831 (cited by Victorian Clinical Genetics Services, Murdoch Childrens Research Institute and Labcorp Genetics (formerly Invitae), Labcorp); PubMed 24736382 (cited by Labcorp Genetics (formerly Invitae), Labcorp); PubMed 24793351 (cited by Labcorp Genetics (formerly Invitae), Labcorp); PubMed 33019804 (cited by Labcorp Genetics (formerly Invitae), Labcorp).

NM_005159.5(ACTC1):c.998C>T (p.Ala333Val)

Genes: ACTC1 (actin alpha cardiac muscle 1; minus strand), GJD2-DT (GJD2 divergent transcript; plus strand). Cytogenetic location: 15q14.
Variant type: single nucleotide variant.
Coding change: c.998C>T on transcript NM_005159.5 (MANE Select); coding-DNA position 998, C replaced by T.
Protein change: p.Ala333Val; replaces alanine 333 with valine.
Molecular consequence: missense variant.
Genome position (GRCh38, 1-based): chr15:34,790,548, G>A on the plus strand (C>T on the coding strand, the complement: ACTC1 is on the minus strand). VCF-style: chr15-34790548-G-A. GRCh37 (hg19) VCF-style: chr15-35082749-G-A.
Other names: p.A333V:GCT>GTT; c.998C>T (LRG_388t1); short protein forms A333V.
Identifiers: ClinVar variation 180773 (VCV000180773.14), dbSNP rs730880406, ClinGen allele CA020032.
Genomic context (GRCh38, chr15:34,790,548, plus strand): 5'-GTGGACAGAGAGGCCAGGATGGAGCCCCCAATCCAGACAGAGTATTTACGCTCAGGGGGA[G>A]CAATAATCTGCAGAAAGAAAACAAAAACTTCCAGTGAACTCTGAAGTTCCAAGCAAGGGA-3'
Protein context (NP_005150.1, residues 323-343): APSTMKIKII[Ala333Val]PPERKYSVWI